The following is an entry in ClinVar:

NM_006929.5(SKIC2):c.3115C>T (p.Arg1039Trp)

Gene: SKIC2 (SKI2 subunit of superkiller complex; plus strand). Cytogenetic location: 6p21.33.
Variant type: single nucleotide variant.
Coding change: c.3115C>T on transcript NM_006929.5 (MANE Select); coding-DNA position 3115, C replaced by T.
Protein change: p.Arg1039Trp; replaces arginine 1039 with tryptophan.
Molecular consequence: missense variant.
Genome position (GRCh38, 1-based): chr6:31,968,731, C>T. VCF-style: chr6-31968731-C-T. GRCh37 (hg19) VCF-style: chr6-31936508-C-T.
Other names: short protein forms R1039W.
Identifiers: ClinVar variation 1487866 (VCV001487866.5), dbSNP rs753813826, ClinGen allele CA136913788.

ClinVar aggregate classification (germline): Uncertain significance (1 of 4 stars; one submission).

Allele frequency attached by ClinVar (database versions not stated): gnomAD exomes below 0.00001 and 0.00001.
gnomAD v4.1: 11 of 1,612,800 alleles (0.00068%); highest among the groups gnomAD compares: African/African-American, 0.0027%; no homozygotes.

Submission:

Labcorp Genetics (formerly Invitae), Labcorp
Classification: Uncertain significance. Last evaluated: 2021-08-28. Review status: criteria provided, single submitter. Criteria: Invitae Variant Classification Sherloc (09022015). Collection method: clinical testing. Allele origin: germline.
Comment: This sequence change replaces arginine with tryptophan at codon 1039 of the SKIV2L protein (p.Arg1039Trp). The arginine residue is moderately conserved and there is a moderate physicochemical difference between arginine and tryptophan. This variant is not present in population databases (ExAC no frequency). This variant has not been reported in the literature in individuals affected with SKIV2L-related conditions. Algorithms developed to predict the effect of missense changes on protein structure and function are either unavailable or do not agree on the potential impact of this missense change (SIFT: "Deleterious"; PolyPhen-2: "Probably Damaging"; Align-GVGD: "Class C15"). In summary, the available evidence is currently insufficient to determine the role of this variant in disease. Therefore, it has been classified as a Variant of Uncertain Significance.